The following is an entry in ClinVar:

NM_001142730.3(KCTD1):c.448G>C (p.Gly150Arg)

Genes: KCTD1 (potassium channel tetramerization domain containing 1; minus strand), LOC130062326 (ATAC-STARR-seq lymphoblastoid silent region 9372; plus strand). Cytogenetic location: 18q11.2.
Variant type: single nucleotide variant.
Coding change: c.448G>C on transcript NM_001142730.3 (MANE Select); coding-DNA position 448, G replaced by C.
Protein change: p.Gly150Arg; replaces glycine 150 with arginine.
Molecular consequence: missense variant. On other transcripts: intron variant (5).
Genome position (GRCh38, 1-based): chr18:26,548,089, C>G on the plus strand (G>C on the coding strand, the complement: KCTD1 is on the minus strand). VCF-style: chr18-26548089-C-G. GRCh37 (hg19) VCF-style: chr18-24128053-C-G.
Other names: c.10-46839G>C (NM_001258222.3); c.-15-46839G>C (NM_198991.4); c.-16+1640G>C (NM_001258221.2); c.-16+1155G>C (NM_001351443.1); c.-16+802G>C (NM_001136205.2); short protein forms G150R.
Identifiers: ClinVar variation 4041918 (VCV004041918.3).

ClinVar aggregate classification (germline): Uncertain significance. Review status: criteria provided, multiple submitters, no conflicts (2 of 4 stars). 2 submissions from 2 submitters: Uncertain significance (2). Last evaluated 2025-11-12.

gnomAD v4.1: 9 of 1,344,564 alleles (0.00067%); highest among the groups gnomAD compares: Non-Finnish European, 0.00066%; no homozygotes.

Submissions (2):

Dasa
Classification: Uncertain significance. Last evaluated: 2025-11-12. Review status: criteria provided, single submitter. Criteria: DASA Assertion Criteria. Collection method: clinical testing. Allele origin: germline.
Comment: NM_001142730.3(KCTD1):c.448G>C (p.Gly150Arg) is a missense variant that results in the substitution of glycine with arginine. This variant is rare in population databases. The currently available literature and clinical evidence are not sufficient to establish a definitive association between this variant and the reported condition. Therefore, this variant is classified as a variant of uncertain significance.

Ambry Genetics
Classification: Uncertain significance. Last evaluated: 2025-05-13. Review status: criteria provided, single submitter. Criteria: Ambry Variant Classification Scheme 2023. Collection method: clinical testing. Allele origin: germline.